The following is an entry in ClinVar:

NM_031935.3(HMCN1):c.4859T>C (p.Val1620Ala)

Gene: HMCN1 (hemicentin 1; plus strand). Cytogenetic location: 1q31.1.
Variant type: single nucleotide variant.
Coding change: c.4859T>C on transcript NM_031935.3 (MANE Select); coding-DNA position 4859, T replaced by C.
Protein change: p.Val1620Ala; replaces valine 1620 with alanine.
Molecular consequence: missense variant.
Genome position (GRCh38, 1-based): chr1:186,015,387, T>C. VCF-style: chr1-186015387-T-C. GRCh37 (hg19) VCF-style: chr1-185984519-T-C.
Other names: short protein forms V1620A.
Identifiers: ClinVar variation 2816559 (VCV002816559.3), dbSNP rs2527523208, ClinGen allele CA343885918.

ClinVar aggregate classification (germline): Uncertain significance (1 of 4 stars; one submission).

Submission:

Labcorp Genetics (formerly Invitae), Labcorp
Classification: Uncertain significance. Last evaluated: 2022-11-24. Review status: criteria provided, single submitter. Criteria: Invitae Variant Classification Sherloc (09022015). Collection method: clinical testing. Allele origin: germline.
Comment: In summary, the available evidence is currently insufficient to determine the role of this variant in disease. Therefore, it has been classified as a Variant of Uncertain Significance. Algorithms developed to predict the effect of missense changes on protein structure and function output the following: SIFT: "Tolerated"; PolyPhen-2: "Benign"; Align-GVGD: "Class C0". The alanine amino acid residue is found in multiple mammalian species, which suggests that this missense change does not adversely affect protein function. This variant has not been reported in the literature in individuals affected with HMCN1-related conditions. This variant is not present in population databases (gnomAD no frequency). This sequence change replaces valine, which is neutral and non-polar, with alanine, which is neutral and non-polar, at codon 1620 of the HMCN1 protein (p.Val1620Ala).